The following is an entry in ClinVar:

ClinVar aggregate classification (germline): Uncertain significance (1 of 4 stars; one submission).

Allele frequency attached by ClinVar (database versions not stated): gnomAD exomes below 0.00001; gnomAD 0.00001; TOPMed 0.00001.
gnomAD v4.1: 2 of 1,613,562 alleles (0.00012%); highest among the groups gnomAD compares: Non-Finnish European, 0.00017%; no homozygotes.

Submission:

Labcorp Genetics (formerly Invitae), Labcorp
Classification: Uncertain significance. Last evaluated: 2022-02-05. Review status: criteria provided, single submitter. Criteria: Invitae Variant Classification Sherloc (09022015). Collection method: clinical testing. Allele origin: germline.
Comment: In summary, the available evidence is currently insufficient to determine the role of this variant in disease. Therefore, it has been classified as a Variant of Uncertain Significance. Algorithms developed to predict the effect of sequence changes on RNA splicing suggest that this variant may create or strengthen a splice site. Algorithms developed to predict the effect of missense changes on protein structure and function are either unavailable or do not agree on the potential impact of this missense change (SIFT: "Deleterious"; PolyPhen-2: "Possibly Damaging"; Align-GVGD: "Class C0"). This variant has not been reported in the literature in individuals affected with TUBGCP6-related conditions. This variant is not present in population databases (gnomAD no frequency). This sequence change replaces serine, which is neutral and polar, with cysteine, which is neutral and slightly polar, at codon 120 of the TUBGCP6 protein (p.Ser120Cys).

NM_020461.4(TUBGCP6):c.358A>T (p.Ser120Cys)

Gene: TUBGCP6 (tubulin gamma complex component 6; minus strand). Cytogenetic location: 22q13.33.
Variant type: single nucleotide variant.
Coding change: c.358A>T on transcript NM_020461.4 (MANE Select); coding-DNA position 358, A replaced by T.
Protein change: p.Ser120Cys; replaces serine 120 with cysteine.
Molecular consequence: missense variant.
Genome position (GRCh38, 1-based): chr22:50,244,102, T>A on the plus strand (A>T on the coding strand, the complement: TUBGCP6 is on the minus strand). VCF-style: chr22-50244102-T-A. GRCh37 (hg19) VCF-style: chr22-50682531-T-A.
Other names: short protein forms S120C.
Identifiers: ClinVar variation 1505161 (VCV001505161.8), dbSNP rs1362681995, ClinGen allele CA412115641.